The following is an entry in ClinVar:

NM_021922.3(FANCE):c.466C>T (p.Leu156=)

Gene: FANCE (FA complementation group E; plus strand). Cytogenetic location: 6p21.31.
Variant type: single nucleotide variant.
Coding change: c.466C>T on transcript NM_021922.3 (MANE Select); coding-DNA position 466, C replaced by T.
Protein change: p.Leu156=; no amino-acid change (leucine 156 retained).
Molecular consequence: synonymous variant.
Genome position (GRCh38, 1-based): chr6:35,455,964, C>T. VCF-style: chr6-35455964-C-T. GRCh37 (hg19) VCF-style: chr6-35423741-C-T.
Identifiers: ClinVar variation 695144 (VCV000695144.12), dbSNP rs747537380, ClinGen allele CA3771414.

ClinVar aggregate classification (germline): Likely benign. Review status: criteria provided, multiple submitters, no conflicts (2 of 4 stars). 3 submissions from 3 submitters: Likely benign (3). Last evaluated 2025-10-21.

Conditions:
FANCE-related disorder. Also called: FANCE-related condition.
Fanconi anemia complementation group E (FANCE). Also called: FANCE-Related Fanconi Anemia. Identifiers: Orphanet 84, MedGen C3160739, MONDO:0010953, OMIM 600901.

Allele frequency attached by ClinVar (database versions not stated): gnomAD 0.00001; TOPMed 0.00003; gnomAD exomes 0.00006 and 0.00020; ExAC 0.00018.

Submissions (3):

Labcorp Genetics (formerly Invitae), Labcorp
Classification: Likely benign for Fanconi anemia complementation group E. Last evaluated: 2025-10-21. Review status: criteria provided, single submitter. Criteria: Invitae Variant Classification Sherloc (09022015). Collection method: clinical testing. Allele origin: germline.

PreventionGenetics, part of Exact Sciences
Classification: Likely benign for FANCE-related condition. Last evaluated: 2024-11-18. Review status: criteria provided, single submitter. Criteria: ACMG Guidelines, 2015. Collection method: clinical testing. Allele origin: germline.
Comment: This variant is classified as likely benign based on ACMG/AMP sequence variant interpretation guidelines (Richards et al. 2015 PMID: 25741868, with internal and published modifications).

Blueprint Genetics
Classification: Likely benign. Last evaluated: 2024-09-23. Review status: criteria provided, single submitter. Criteria: ACMG Guidelines, 2015. Collection method: clinical testing. Allele origin: germline.